The following is an entry in ClinVar:

NM_005267.5(GJA8):c.698G>A (p.Arg233Gln)

Gene: GJA8 (gap junction protein alpha 8; plus strand). Cytogenetic location: 1q21.2.
Variant type: single nucleotide variant.
Coding change: c.698G>A on transcript NM_005267.5 (MANE Select); coding-DNA position 698, G replaced by A.
Protein change: p.Arg233Gln; replaces arginine 233 with glutamine.
Molecular consequence: missense variant.
Genome position (GRCh38, 1-based): chr1:147,908,653, G>A. VCF-style: chr1-147908653-G-A. GRCh37 (hg19) VCF-style: chr1-147380780-G-A.
Other names: short protein forms R233Q.
Identifiers: ClinVar variation 3341757 (VCV003341757.16).

ClinVar aggregate classification (germline): Likely benign (1 of 4 stars; one submission).

gnomAD v4.1: 15 of 1,614,004 alleles (0.00093%); highest among the groups gnomAD compares: Non-Finnish European, 0.0012%; no homozygotes.

Submission:

CeGaT Center for Human Genetics Tuebingen
Classification: Likely benign. Last evaluated: 2024-08-01. Review status: criteria provided, single submitter. Criteria: CeGaT Center For Human Genetics Tuebingen Variant Classification Criteria Version 2. Collection method: clinical testing. Allele origin: germline. Affected: yes. Observed: 1 variant allele.
Comment: GJA8: BS2